The following is an entry in ClinVar:

ClinVar aggregate classification (germline): Pathogenic/Likely pathogenic. Review status: criteria provided, multiple submitters, no conflicts (2 of 4 stars). 2 submissions from 2 submitters: Pathogenic (1); Likely pathogenic (1). Last evaluated 2025-05-29.

Conditions:
Orofaciodigital syndrome type 14. Also called: Orofaciodigital syndrome xiv. Identifiers: Orphanet 434179, MedGen C4706604, MONDO:0014413, OMIM 615948.

Submissions (2):

Labcorp Genetics (formerly Invitae), Labcorp
Classification: Pathogenic. Last evaluated: 2025-05-29. Review status: criteria provided, single submitter. Criteria: Invitae Variant Classification Sherloc (09022015). Collection method: clinical testing. Allele origin: germline.
Comment: This sequence change creates a premature translational stop signal (p.His904Profs*34) in the C2CD3 gene. It is expected to result in an absent or disrupted protein product. Loss-of-function variants in C2CD3 are known to be pathogenic (PMID: 24997988, 26477546). This variant is not present in population databases (gnomAD no frequency). This variant has not been reported in the literature in individuals affected with C2CD3-related conditions. ClinVar contains an entry for this variant (Variation ID: 1454274). Algorithms developed to predict the effect of sequence changes on RNA splicing suggest that this variant may disrupt the consensus splice site. For these reasons, this variant has been classified as Pathogenic.

HudsonAlpha Institute for Biotechnology
Classification: Likely pathogenic for Orofaciodigital syndrome type 14. Last evaluated: 2024-09-19. Review status: criteria provided, single submitter. Criteria: ACMG Guidelines, 2015. Collection method: research. Allele origin: paternal. Affected: yes. Observed: 1 variant allele. Study: AGHI-WGS-HudsonAlpha.

Literature cited by the submitters: PubMed 24997988 (cited by Labcorp Genetics (formerly Invitae), Labcorp); PubMed 26477546 (cited by Labcorp Genetics (formerly Invitae), Labcorp).

NM_001286577.2(C2CD3):c.2706_2710dup (p.His904fs)

Gene: C2CD3 (C2 domain containing 3 centriole elongation regulator; minus strand). Cytogenetic location: 11q13.4.
Variant type: Duplication.
Coding change: c.2706_2710dup on transcript NM_001286577.2 (MANE Select); coding-DNA positions 2706 to 2710, 5 bases duplicated (CCTCC; older notation c.2706_2710dupCCTCC).
Protein change: p.His904fs; shifts the reading frame from histidine 904.
Molecular consequence: frameshift variant.
Genome position (GRCh38, 1-based): chr11:74,100,547-74,100,551, GGAGG duplicated on the plus strand (CCTCC on the coding strand, the reverse complement: C2CD3 is on the minus strand); duplicating any 5 consecutive bases within chr11:74,100,547-74,100,554 gives the same sequence; the c. name uses the placement nearest the transcript's 3' end. VCF-style (leftmost placement, unchanged base first): chr11-74100546-T-TGGAGG. GRCh37 (hg19) VCF-style: chr11-73811591-T-TGGAGG.
Other names: c.2706_2710dup (NM_001286577.1); c.2706_2710dup, p.His904fs (NM_015531.6); short protein forms H904fs.
Identifiers: ClinVar variation 1454274 (VCV001454274.7), dbSNP rs2135493230, ClinGen allele CA2573147697.